The following is an entry in ClinVar:

ClinVar aggregate classification (germline): Likely pathogenic (1 of 4 stars; one submission).

Submission:

Labcorp Genetics (formerly Invitae), Labcorp
Classification: Likely pathogenic. Last evaluated: 2021-04-05. Review status: criteria provided, single submitter. Criteria: Invitae Variant Classification Sherloc (09022015). Collection method: clinical testing. Allele origin: germline.
Comment: In summary, the currently available evidence indicates that the variant is pathogenic, but additional data are needed to prove that conclusively. Therefore, this variant has been classified as Likely Pathogenic. This variant has not been reported in the literature in individuals with CDH3-related conditions. This variant a complex rearrangement involving an inverted copy number gain of the genomic region encompassing exon(s) 3-7 of the CDH3 gene. While the exact position of this variant cannot be determined from the data, sub-genic copy number gains are generally in tandem (PMID: 25640679). This variant is predicted to be out-of-frame, and may result in an absent or disrupted protein product. Loss-of-function variants in CDH3 are known to be pathogenic (PMID: 15805154, 27386845, 29620724).

Literature cited by the submitters: PubMed 25640679; PubMed 15805154; PubMed 27386845; PubMed 29620724.

NC_000016.9:g.(?_68697395)_(68713970_?)dup

Gene: CDH3 (cadherin 3; plus strand). Cytogenetic location: 16q22.1.
Variant type: Duplication.
Identifiers: ClinVar variation 1506142 (VCV001506142.7).